The following is an entry in ClinVar:

NM_052945.4(TNFRSF13C):c.331G>T (p.Ala111Ser)

Genes: TNFRSF13C (TNF receptor superfamily member 13C; minus strand), LOC130067574 (ATAC-STARR-seq lymphoblastoid silent region 13813; plus strand). Cytogenetic location: 22q13.2.
Variant type: single nucleotide variant.
Coding change: c.331G>T on transcript NM_052945.4 (MANE Select); coding-DNA position 331, G replaced by T.
Protein change: p.Ala111Ser; replaces alanine 111 with serine.
Molecular consequence: missense variant.
Genome position (GRCh38, 1-based): chr22:41,926,137, C>A on the plus strand (G>T on the coding strand, the complement: TNFRSF13C is on the minus strand). VCF-style: chr22-41926137-C-A. GRCh37 (hg19) VCF-style: chr22-42322141-C-A.
Other names: short protein forms A111S.
Identifiers: ClinVar variation 1357103 (VCV001357103.8), dbSNP rs2146589165, ClinGen allele CA411763051.

ClinVar aggregate classification (germline): Uncertain significance (1 of 4 stars; one submission).

Conditions:
Immunodeficiency, common variable, 4. Also called: ANTIBODY DEFICIENCY DUE TO BAFFR DEFECT. Identifiers: Orphanet 1572, Orphanet 696925, MedGen C3150739, MONDO:0013284, OMIM 613494.

Submission:

Labcorp Genetics (formerly Invitae), Labcorp
Classification: Uncertain significance for Immunodeficiency, common variable, 4. Last evaluated: 2021-06-17. Review status: criteria provided, single submitter. Criteria: Invitae Variant Classification Sherloc (09022015). Collection method: clinical testing. Allele origin: germline.
Comment: In summary, the available evidence is currently insufficient to determine the role of this variant in disease. Therefore, it has been classified as a Variant of Uncertain Significance. Algorithms developed to predict the effect of missense changes on protein structure and function (SIFT, PolyPhen-2, Align-GVGD) all suggest that this variant is likely to be tolerated, but these predictions have not been confirmed by published functional studies and their clinical significance is uncertain. This variant has not been reported in the literature in individuals with TNFRSF13C-related conditions. This variant is not present in population databases (ExAC no frequency). This sequence change replaces alanine with serine at codon 111 of the TNFRSF13C protein (p.Ala111Ser). The alanine residue is moderately conserved and there is a moderate physicochemical difference between alanine and serine.